The following is an entry in ClinVar:

NM_001243133.2(NLRP3):c.2834+1G>A

Gene: NLRP3 (NLR family pyrin domain containing 3; plus strand). Cytogenetic location: 1q44.
Variant type: single nucleotide variant.
Coding change: c.2834+1G>A on transcript NM_001243133.2 (MANE Select); the canonical splice donor site of the intron after coding-DNA position 2834, G replaced by A.
Molecular consequence: splice donor variant.
Genome position (GRCh38, 1-based): chr1:247,444,143, G>A. VCF-style: chr1-247444143-G-A. GRCh37 (hg19) VCF-style: chr1-247607445-G-A.
Other names: c.2840+1G>A (NM_004895.5); c.2663+1G>A (NM_001127461.3, NM_001127462.3); c.2492+1G>A (NM_183395.3); c.2834+1G>A (NM_001079821.3).
Identifiers: ClinVar variation 827985 (VCV000827985.3), dbSNP rs1572228102, ClinGen allele CA345565413.

ClinVar aggregate classification (germline): Uncertain significance. Review status: criteria provided, single submitter (1 of 4 stars). 2 submissions from 1 submitter: Uncertain significance (2). Last evaluated 2019-08-07.

Conditions:
Familial amyloid nephropathy with urticaria AND deafness (MWS). Also called: Urticaria, deafness and amyloidosis; UDA SYNDROME; URTICARIA-DEAFNESS-AMYLOIDOSIS SYNDROME; CRYOPYRIN-ASSOCIATED PERIODIC SYNDROME 2; MUCKLE-WELLS SYNDROME. Identifiers: Orphanet 575, MedGen C0268390, MONDO:0008633, OMIM 191900.
Familial cold autoinflammatory syndrome 1 (FCAS1). Also called: Familial cold inflammatory syndrome 1; CRYOPYRIN-ASSOCIATED PERIODIC SYNDROME 1. Identifiers: Orphanet 47045, MedGen C4551895, MONDO:0007349, OMIM 120100.
Chronic infantile neurological, cutaneous and articular syndrome (CINCA). Also called: CHRONIC NEUROLOGIC CUTANEOUS AND ARTICULAR SYNDROME; CINCA syndrome; CRYOPYRIN-ASSOCIATED PERIODIC SYNDROME 3; Prieur Griscelli syndrome. Identifiers: Orphanet 1451, MedGen C0409818, MONDO:0011776, OMIM 607115.
Keratitis fugax hereditaria. Also called: KERATOENDOTHELIITIS FUGAX HEREDITARIA. Identifiers: Orphanet 647815, MedGen C1835697, MONDO:0007849, OMIM 148200.
Hearing loss, autosomal dominant 34, with or without inflammation. Also called: DEAFNESS, AUTOSOMAL DOMINANT 34, WITH OR WITHOUT INFLAMMATION. Identifiers: MedGen C4521680, MONDO:0033261, OMIM 617772.

Submissions (2):

Center for Genomics, Ann and Robert H. Lurie Children's Hospital of Chicago
Classification: Uncertain significance for Chronic infantile neurological, cutaneous and articular syndrome; Familial cold autoinflammatory syndrome 1; Familial amyloid nephropathy with urticaria AND deafness. Last evaluated: 2019-08-07. Review status: criteria provided, single submitter. Criteria: ACMG Guidelines, 2015. Collection method: clinical testing. Allele origin: germline.
Comment: NLRP3 NM_004895.4 exon 7 c.2840+1G>A: This variant has not been reported in the literature and is not present in large control databases. Evolutionary conservation and computational predictive tools for this variant are limited or unavailable. Of note, this variant alters the consensus splice sequence (+/- 1,2) which is predicted to result in an absent or abnormal protein. However, loss of function variants have not been established as a known mechanism of disease for this gene; gain of function mutations are most commonly reported in association with disease in this gene (de Torre-Minguela 2017 PMID:28191008). In summary, data on this variant is suspicious for disease, but requires further evidence for pathogenicity. Therefore, the clinical significance of this variant is uncertain.

Center for Genomics, Ann and Robert H. Lurie Children's Hospital of Chicago
Classification: Uncertain significance for Chronic infantile neurological, cutaneous and articular syndrome; Familial cold autoinflammatory syndrome 1; Keratitis fugax hereditaria; Hearing loss, autosomal dominant 34, with or without inflammation; Familial amyloid nephropathy with urticaria AND deafness. Review status: criteria provided, single submitter. Criteria: ACMG Guidelines, 2015. Collection method: clinical testing. Allele origin: germline.
Comment: the same text as in the submission from Center for Genomics, Ann and Robert H. Lurie Children's Hospital of Chicago above.